The following is an entry in ClinVar:

ClinVar aggregate classification (germline): Likely pathogenic (1 of 4 stars; one submission).

Conditions:
Ehlers-Danlos syndrome, type 4 (EDSVASC). Also called: Ehlers-Danlos syndrome vascular type; Ehlers Danlos syndrome, ecchymotic type; Ehlers Danlos syndrome, arterial type; Ehlers Danlos syndrome, Sack-Barabas type; Ehlers-Danlos Syndrome Type IV. Identifiers: Orphanet 286, MedGen C0268338, MONDO:0017314, OMIM 130050.

Submission:

Labcorp Genetics (formerly Invitae), Labcorp
Classification: Likely pathogenic for Ehlers-Danlos syndrome, type 4. Last evaluated: 2025-04-17. Review status: criteria provided, single submitter. Criteria: Invitae Variant Classification Sherloc (09022015). Collection method: clinical testing. Allele origin: germline.
Comment: This sequence change replaces glycine, which is neutral and non-polar, with cysteine, which is neutral and slightly polar, at codon 909 of the COL3A1 protein (p.Gly909Cys). This variant is not present in population databases (gnomAD no frequency). This variant has not been reported in the literature in individuals affected with COL3A1-related conditions. Experimental studies and prediction algorithms are not available or were not evaluated, and the functional significance of this variant is currently unknown. This variant disrupts the triple helix domain of COL3A1. Glycine residues within the Gly-Xaa-Yaa repeats of the triple helix domain are required for the structure and stability of fibrillar collagens (PMID: 7695699, 8218237, 19344236). In COL3A1, variants that affect these glycine residues are significantly enriched in individuals with disease (PMID: 24922459, 25758994) compared to the general population (ExAC). This variant disrupts the p.Gly909 amino acid residue in COL3A1. Other variant(s) that disrupt this residue have been observed in individuals with COL3A1-related conditions (PMID: 8680408, 10706896), which suggests that this may be a clinically significant amino acid residue. In summary, the currently available evidence indicates that the variant is pathogenic, but additional data are needed to prove that conclusively. Therefore, this variant has been classified as Likely Pathogenic.

Literature cited by the submitters: PubMed 7695699; PubMed 8218237; PubMed 19344236; PubMed 24922459; PubMed 25758994; PubMed 8680408; PubMed 10706896.

NM_000090.4(COL3A1):c.2724_2725delinsAT (p.Gly909Cys)

Gene: COL3A1 (collagen type III alpha 1 chain; plus strand). Cytogenetic location: 2q32.2.
Variant type: Indel.
Coding change: c.2724_2725delinsAT on transcript NM_000090.4 (MANE Select); coding-DNA positions 2724 to 2725, GG replaced by AT.
Protein change: p.Gly909Cys; replaces glycine 909 with cysteine.
Molecular consequence: missense variant.
Genome position (GRCh38, 1-based): chr2:189,004,044-189,004,045, GG replaced by AT. VCF-style: chr2-189004044-GG-AT. GRCh37 (hg19) VCF-style: chr2-189868770-GG-AT.
Other names: short protein forms G909C.
Identifiers: ClinVar variation 4717615 (VCV004717615.1).
Genomic context (GRCh38, chr2:189,004,044, plus strand): 5'-TAACCCAGGACCCCCAGGTCCCAGCGGTTCTCCAGGCAAGGATGGGCCCCCAGGTCCTGC[GG>AT]GTAACACTGGTGCTCCTGGCAGCCCTGGAGTGTCTGGACCAAAAGGTGATGCTGGCCAAC-3'
Protein context (NP_000081.2, residues 899-919): PGKDGPPGPA[Gly909Cys]NTGAPGSPGV